The following is an entry in ClinVar:

ClinVar aggregate classification (germline): Uncertain significance (1 of 4 stars; one submission).

Allele frequency attached by ClinVar (database versions not stated): gnomAD 0.00001.
gnomAD v4.1: 9 of 1,611,672 alleles (0.00056%); highest among the groups gnomAD compares: East Asian, 0.0022%; no homozygotes.

Submission:

Labcorp Genetics (formerly Invitae), Labcorp
Classification: Uncertain significance. Last evaluated: 2022-05-24. Review status: criteria provided, single submitter. Criteria: Invitae Variant Classification Sherloc (09022015). Collection method: clinical testing. Allele origin: germline.
Comment: This variant has not been reported in the literature in individuals affected with GRM1-related conditions. This variant is present in population databases (no rsID available, gnomAD no frequency). This sequence change replaces lysine, which is basic and polar, with asparagine, which is neutral and polar, at codon 880 of the GRM1 protein (p.Lys880Asn). Algorithms developed to predict the effect of missense changes on protein structure and function (SIFT, PolyPhen-2, Align-GVGD) all suggest that this variant is likely to be disruptive. In summary, the available evidence is currently insufficient to determine the role of this variant in disease. Therefore, it has been classified as a Variant of Uncertain Significance.

NM_001278064.2(GRM1):c.2640G>T (p.Lys880Asn)

Gene: GRM1 (glutamate metabotropic receptor 1; plus strand). Cytogenetic location: 6q24.3.
Variant type: single nucleotide variant.
Coding change: c.2640G>T on transcript NM_001278064.2 (MANE Select); coding-DNA position 2640, G replaced by T.
Protein change: p.Lys880Asn; replaces lysine 880 with asparagine.
Molecular consequence: missense variant.
Genome position (GRCh38, 1-based): chr6:146,399,679, G>T. VCF-style: chr6-146399679-G-T. GRCh37 (hg19) VCF-style: chr6-146720815-G-T.
Other names: c.2640G>T, p.Lys880Asn (NM_001278065.2, NM_001278066.1, NM_001278067.1); short protein forms K880N.
Identifiers: ClinVar variation 1917779 (VCV001917779.5), dbSNP rs758693677, ClinGen allele CA366196052.
Genomic context (GRCh38, chr6:146,399,679, plus strand): 5'-TGGCGATGGCAAGCTGCCCTGCCGCTCCAACACTTTCCTCAACATCTTCCGAAGAAAGAA[G>T]GCAGGGGCAGGGAATGCCAAGTGAGTTATCTGACCTGTTTGTCTCTCTTTTCTCTTCCTT-3'
Protein context (NP_001264993.1, residues 870-890): NTFLNIFRRK[Lys880Asn]AGAGNANSNG